The following is an entry in ClinVar:

ClinVar aggregate classification (germline): Likely benign. Review status: criteria provided, multiple submitters, no conflicts (2 of 4 stars). 3 submissions from 3 submitters: Likely benign (3). Last evaluated 2025-12-15.

Conditions:
Ehlers-Danlos syndrome, classic type, 1 (EDSCL1). Also called: EDS I; EHLERS-DANLOS SYNDROME, GRAVIS TYPE; EHLERS-DANLOS SYNDROME, SEVERE CLASSIC TYPE; Ehlers-Danlos Syndrome, Classic Type, COL5A1-Related; Ehlers-Danlos syndrome, type 1. Identifiers: MedGen C0268335, MONDO:0019567, OMIM 130000.

Allele frequency attached by ClinVar (database versions not stated): gnomAD 0.00001; TOPMed 0.00003; gnomAD exomes below 0.00001.
gnomAD v4.1: 4 of 1,612,218 alleles (0.00025%); highest among the groups gnomAD compares: South Asian, 0.0011%; no homozygotes.

Submissions (3):

Women's Health and Genetics/Laboratory Corporation of America, LabCorp
Classification: Likely benign. Last evaluated: 2025-12-15. Review status: criteria provided, single submitter. Criteria: LabCorp Variant Classification Summary - May 2015. Collection method: clinical testing. Allele origin: germline.

Labcorp Genetics (formerly Invitae), Labcorp
Classification: Likely benign for Ehlers-Danlos syndrome, classic type, 1. Last evaluated: 2024-02-22. Review status: criteria provided, single submitter. Criteria: Invitae Variant Classification Sherloc (09022015). Collection method: clinical testing. Allele origin: germline.

GeneDx
Classification: Likely benign. Last evaluated: 2018-03-28. Review status: criteria provided, single submitter. Criteria: GeneDx Variant Classification (06012015). Collection method: clinical testing. Allele origin: germline. Affected: yes.
Comment: This variant is considered likely benign or benign based on one or more of the following criteria: it is a conservative change, it occurs at a poorly conserved position in the protein, it is predicted to be benign by multiple in silico algorithms, and/or has population frequency not consistent with disease.

NM_000093.5(COL5A1):c.2385+15C>T

Gene: COL5A1 (collagen type V alpha 1 chain; plus strand). Cytogenetic location: 9q34.3.
Variant type: single nucleotide variant.
Coding change: c.2385+15C>T on transcript NM_000093.5 (MANE Select); 15 bases into the intron after coding-DNA position 2385, C replaced by T.
Molecular consequence: intron variant.
Genome position (GRCh38, 1-based): chr9:134,774,927, C>T. VCF-style: chr9-134774927-C-T. GRCh37 (hg19) VCF-style: chr9-137666773-C-T.
Other names: c.2385+15C>T (NM_001278074.1).
Identifiers: ClinVar variation 681011 (VCV000681011.7), dbSNP rs937874882, ClinGen allele CA201101256.